The following is an entry in ClinVar:

NM_001849.4(COL6A2):c.2234G>A (p.Arg745Gln)

Gene: COL6A2 (collagen type VI alpha 2 chain; plus strand). Cytogenetic location: 21q22.3.
Variant type: single nucleotide variant.
Coding change: c.2234G>A on transcript NM_001849.4 (MANE Select); coding-DNA position 2234, G replaced by A.
Protein change: p.Arg745Gln; replaces arginine 745 with glutamine.
Molecular consequence: missense variant.
Genome position (GRCh38, 1-based): chr21:46,126,049, G>A. VCF-style: chr21-46126049-G-A. GRCh37 (hg19) VCF-style: chr21-47545963-G-A.
Other names: c.2234G>A, p.Arg745Gln (NM_058174.3, NM_058175.3); short protein forms R745Q.
Identifiers: ClinVar variation 1051140 (VCV001051140.20), dbSNP rs768280699, ClinGen allele CA10072476.

ClinVar aggregate classification (germline): Conflicting classifications of pathogenicity. Review status: criteria provided, conflicting classifications (1 of 4 stars). 4 submissions from 4 submitters: Uncertain significance (2); Likely benign (2). Last evaluated 2025-10-25.

Conditions:
Bethlem myopathy 1A. Also called: Bethlem Muscular Dystrophy; MYOPATHY, BENIGN CONGENITAL, WITH CONTRACTURES; Bethlem myopathy 1. Identifiers: Orphanet 610, MedGen CN029274, MONDO:0024530, OMIM 158810.

Allele frequency attached by ClinVar (database versions not stated): gnomAD 0.00003; gnomAD exomes 0.00003 and 0.00007; TOPMed 0.00004; ExAC 0.00006.
gnomAD v4.1: 57 of 1,612,920 alleles (0.0035%); highest among the groups gnomAD compares: East Asian, 0.06%; no homozygotes.

Submissions (4):

Labcorp Genetics (formerly Invitae), Labcorp
Classification: Likely benign for Bethlem myopathy 1A. Last evaluated: 2025-10-25. Review status: criteria provided, single submitter. Criteria: Invitae Variant Classification Sherloc (09022015). Collection method: clinical testing. Allele origin: germline.

Revvity Omics, Revvity
Classification: Likely benign. Last evaluated: 2023-11-28. Review status: criteria provided, single submitter. Criteria: ACMG Guidelines, 2015. Collection method: clinical testing. Allele origin: germline.

GeneDx
Classification: Uncertain significance. Last evaluated: 2022-08-17. Review status: criteria provided, single submitter. Criteria: GeneDx Variant Classification Process June 2021. Collection method: clinical testing. Allele origin: germline. Affected: yes.
Comment: In silico analysis supports that this missense variant does not alter protein structure/function; In silico analysis suggests this variant may impact gene splicing. In the absence of RNA/functional studies, the actual effect of this sequence change is unknown.; Has not been previously published as pathogenic or benign to our knowledge

ARUP Laboratories, Molecular Genetics and Genomics, ARUP Laboratories
Classification: Uncertain significance. Last evaluated: 2021-09-03. Review status: criteria provided, single submitter. Criteria: ARUP Molecular Germline Variant Investigation Process 2021. Collection method: clinical testing. Allele origin: germline.